The following is an entry in ClinVar:

ClinVar aggregate classification (germline): Uncertain significance (1 of 4 stars; one submission).

Conditions:
Epilepsy, idiopathic generalized, susceptibility to, 17 (EIG17). Identifiers: MedGen C5561931, MONDO:0100519, OMIM 602477.

Submission:

Institute of Human Genetics, University of Leipzig Medical Center
Classification: Uncertain significance for Epilepsy, idiopathic generalized, susceptibility to, 17. Last evaluated: 2026-05-08. Review status: criteria provided, single submitter. Criteria: ACMG Guidelines, 2015. Collection method: clinical testing. Allele origin: unknown. Inheritance: Autosomal dominant inheritance. Affected: yes.
Comment: Criteria applied: PM2,PP3

NM_001194.4(HCN2):c.1826-1_1828del

Gene: HCN2 (hyperpolarization activated cyclic nucleotide gated potassium and sodium channel 2; plus strand). Cytogenetic location: 19p13.3.
Variant type: Deletion.
Coding change: c.1826-1_1828del on transcript NM_001194.4 (MANE Select); the canonical splice acceptor site of the intron before coding-DNA position 1826 through coding-DNA position 1828, 4 bases deleted (GAGA; older notation c.1826-1_1828delGAGA).
Molecular consequence: splice acceptor variant.
Genome position (GRCh38, 1-based): chr19:613,851-613,854, GAGA deleted; deleting any 4 consecutive bases within chr19:613,850-613,854 gives the same sequence; the c. name uses the placement nearest the transcript's 3' end. VCF-style (leftmost placement, unchanged base first): chr19-613849-CAGAG-C. GRCh37 (hg19) VCF-style: chr19-613849-CAGAG-C.
Identifiers: ClinVar variation 4857420 (VCV004857420.1).